The following is an entry in ClinVar:

ClinVar aggregate classification (germline): Conflicting classifications of pathogenicity. Review status: criteria provided, conflicting classifications (1 of 4 stars). 3 submissions from 3 submitters: Uncertain significance (2); Likely benign (1). Last evaluated 2025-05-12.

Conditions:
Tuberous sclerosis 1 (TSC1). Identifiers: Orphanet 805, MedGen C1854465, MONDO:0008612, OMIM 191100.
Hereditary cancer-predisposing syndrome. Also called: Hereditary neoplastic syndrome; Tumor predisposition; Hereditary Cancer Syndrome; Neoplastic Syndromes, Hereditary. Identifiers: Orphanet 140162, MedGen C0027672, MeSH D009386, MONDO:0015356.

Allele frequency attached by ClinVar (database versions not stated): gnomAD exomes below 0.00001; ExAC 0.00001; ESP Exome Variant Server 0.00008.

Submissions (3):

Labcorp Genetics (formerly Invitae), Labcorp
Classification: Likely benign for Tuberous sclerosis 1. Last evaluated: 2025-05-12. Review status: criteria provided, single submitter. Criteria: Invitae Variant Classification Sherloc (09022015). Collection method: clinical testing. Allele origin: germline.

Ambry Genetics
Classification: Uncertain significance for Hereditary cancer-predisposing syndrome. Last evaluated: 2022-02-20. Review status: criteria provided, single submitter. Criteria: Ambry Variant Classification Scheme 2023. Collection method: clinical testing. Allele origin: germline.
Comment: The p.L896I variant (also known as c.2686C>A), located in coding exon 19 of the TSC1 gene, results from a C to A substitution at nucleotide position 2686. The leucine at codon 896 is replaced by isoleucine, an amino acid with highly similar properties. This amino acid position is conserved. In addition, this alteration is predicted to be tolerated by in silico analysis. Since supporting evidence is limited at this time, the clinical significance of this alteration remains unclear.

Sema4
Classification: Uncertain significance for Hereditary cancer-predisposing syndrome. Last evaluated: 2021-09-13. Review status: criteria provided, single submitter. Criteria: Sema4 Curation Guidelines. Collection method: curation. Allele origin: germline.
Comment: The TSC1 c.2686C>A (p.L896I) variant has not been reported in literature to our knowledge. This variant was observed in 1/16174 chromosomes in the African/African American subpopulation according to the Genome Aggregation Database (PMID: 32461654). This variant has been reported in ClinVar (Variation ID 575837). Functional studies have not been performed, and in silico predictions of the variant's effect on protein function are inconclusive. The overall evidence is insufficient to meet ACMG/AMP criteria for classifying it as benign or pathogenic. In summary, the clinical significance of this variant is currently uncertain.

NM_000368.5(TSC1):c.2686C>A (p.Leu896Ile)

Gene: TSC1 (TSC complex subunit 1; minus strand). Cytogenetic location: 9q34.13.
Variant type: single nucleotide variant.
Coding change: c.2686C>A on transcript NM_000368.5 (MANE Select); coding-DNA position 2686, C replaced by A.
Protein change: p.Leu896Ile; replaces leucine 896 with isoleucine.
Molecular consequence: missense variant.
Genome position (GRCh38, 1-based): chr9:132,897,550, G>T on the plus strand (C>A on the coding strand, the complement: TSC1 is on the minus strand). VCF-style: chr9-132897550-G-T. GRCh37 (hg19) VCF-style: chr9-135772937-G-T.
Other names: c.2683C>A, p.Leu895Ile (NM_001162426.2); c.2533C>A, p.Leu845Ile (NM_001162427.2); c.2323C>A, p.Leu775Ile (NM_001362177.2); short protein forms L896I, L895I, L845I, L775I.
Identifiers: ClinVar variation 575837 (VCV000575837.14), dbSNP rs377132822, ClinGen allele CA034289.
Genomic context (GRCh38, chr9:132,897,550, plus strand): 5'-GGTGAGATTCCAGTTCCAAAATCCGTTTTTGGGAGGTATCAAGCCTCTGAGTCTGCTGGA[G>T]AACATGGCTTCTGTTTTTTTCTAGCTCTTTCCGATAGGCGGCTTTCATCATTTCTACTTC-3'
Protein context (NP_000359.1, residues 886-906): KELEKNRSHV[Leu896Ile]QQTQRLDTSQ